The following is an entry in ClinVar:

NM_016239.4(MYO15A):c.4310A>C (p.Tyr1437Ser)

Gene: MYO15A (myosin XVA; plus strand). Cytogenetic location: 17p11.2.
Variant type: single nucleotide variant.
Coding change: c.4310A>C on transcript NM_016239.4 (MANE Select); coding-DNA position 4310, A replaced by C.
Protein change: p.Tyr1437Ser; replaces tyrosine 1437 with serine.
Molecular consequence: missense variant.
Genome position (GRCh38, 1-based): chr17:18,132,556, A>C. VCF-style: chr17-18132556-A-C. GRCh37 (hg19) VCF-style: chr17-18035870-A-C.
Other names: short protein forms Y1437S.
Identifiers: ClinVar variation 2719474 (VCV002719474.3), dbSNP rs749812958, ClinGen allele CA8423841.

ClinVar aggregate classification (germline): Likely pathogenic (1 of 4 stars; one submission).

Allele frequency attached by ClinVar (database versions not stated): ExAC 0.00001.

Submission:

Labcorp Genetics (formerly Invitae), Labcorp
Classification: Likely pathogenic. Last evaluated: 2023-06-20. Review status: criteria provided, single submitter. Criteria: Invitae Variant Classification Sherloc (09022015). Collection method: clinical testing. Allele origin: germline.
Comment: This variant disrupts the p.Tyr1437 amino acid residue in MYO15A. Other variant(s) that disrupt this residue have been determined to be pathogenic (PMID: 26969326, 32279305, 35346193). This suggests that this residue is clinically significant, and that variants that disrupt this residue are likely to be disease-causing. In summary, the currently available evidence indicates that the variant is pathogenic, but additional data are needed to prove that conclusively. Therefore, this variant has been classified as Likely Pathogenic. Advanced modeling of protein sequence and biophysical properties (such as structural, functional, and spatial information, amino acid conservation, physicochemical variation, residue mobility, and thermodynamic stability) performed at Invitae indicates that this missense variant is expected to disrupt MYO15A protein function. This variant has not been reported in the literature in individuals affected with MYO15A-related conditions. This variant is present in population databases (rs749812958, gnomAD 0.0009%). This sequence change replaces tyrosine, which is neutral and polar, with serine, which is neutral and polar, at codon 1437 of the MYO15A protein (p.Tyr1437Ser).

Literature cited by the submitters: PubMed 26969326; PubMed 32279305; PubMed 35346193.